The following is an entry in ClinVar:

ClinVar aggregate classification (germline): Likely benign. Review status: criteria provided, multiple submitters, no conflicts (2 of 4 stars). 3 submissions from 3 submitters: Likely benign (2). 1 of the submissions does not count toward it. Last evaluated 2024-03-10.

Conditions:
RYR1-related disorder. Also called: RYR1-related disorders; RYR1-related condition. Identifiers: MedGen CN239331.
Malignant hyperthermia, susceptibility to, 1 (MHS1). Also called: Malignant hyperthermia suceptibility 1; Anesthesia related hyperthermia; Malignant hyperpyrexia; Fulminating hyperpyrexia; Pharmacogenic myopathy; RYR1-Related Malignant Hyperthermia Susceptibility. Identifiers: Orphanet 423, MedGen C2930980, MONDO:0007783, OMIM 145600.

Allele frequency attached by ClinVar (database versions not stated): gnomAD exomes below 0.00001 and 0.00001.
gnomAD v4.1: 5 of 1,613,886 alleles (0.00031%); highest among the groups gnomAD compares: South Asian, 0.0022%; no homozygotes.

Submissions (3):

Labcorp Genetics (formerly Invitae), Labcorp
Classification: Likely benign for RYR1-related disorder. Last evaluated: 2024-03-10. Review status: criteria provided, single submitter. Criteria: Invitae Variant Classification Sherloc (09022015). Collection method: clinical testing. Allele origin: germline.

All of Us Research Program, National Institutes of Health
Classification: Likely benign for Malignant hyperthermia, susceptibility to, 1. Last evaluated: 2023-05-30. Review status: criteria provided, single submitter. Criteria: ACMG Guidelines, 2015. Collection method: clinical testing. Allele origin: germline. Inheritance: Autosomal dominant inheritance. Observed: 1 variant allele, 1 heterozygote.
Comment: This study involves interpretation of variants in research participants for the purpose of population health screening. Participant phenotype was not available at the time of variant classification. Additional details can be found in publication PMID: 35346344, PMCID: PMC8962531

PreventionGenetics, part of Exact Sciences
Classification: Likely benign for RYR1-related condition. Last evaluated: 2022-09-15. Review status: no assertion criteria provided. Collection method: clinical testing. Allele origin: germline. Not counted in ClinVar's aggregate classification.
Comment: This variant is classified as likely benign based on ACMG/AMP sequence variant interpretation guidelines (Richards et al. 2015 PMID: 25741868, with internal and published modifications).

NM_000540.3(RYR1):c.6664-8T>C

Gene: RYR1 (ryanodine receptor 1; plus strand). Cytogenetic location: 19q13.2.
Variant type: single nucleotide variant.
Coding change: c.6664-8T>C on transcript NM_000540.3 (MANE Select); 8 bases into the intron before coding-DNA position 6664, T replaced by C.
Molecular consequence: intron variant.
Genome position (GRCh38, 1-based): chr19:38,496,401, T>C. VCF-style: chr19-38496401-T-C. GRCh37 (hg19) VCF-style: chr19-38987041-T-C.
Other names: c.6664-8T>C (NM_001042723.2, NM_000540.2).
Identifiers: ClinVar variation 1607112 (VCV001607112.11), dbSNP rs1376871588, ClinGen allele CA633066115.